The following is an entry in ClinVar:

ClinVar aggregate classification (germline): Benign/Likely benign. Review status: criteria provided, multiple submitters, no conflicts (2 of 4 stars). 10 submissions from 8 submitters: Benign (4); Likely benign (5). 1 of the submissions does not count toward it. Last evaluated 2025-12-15.

Conditions:
Dyskeratosis congenita, autosomal dominant 2. Identifiers: MedGen C3151443, MONDO:0013521, OMIM 613989.
Idiopathic Pulmonary Fibrosis. Also called: Idiopathic fibrosing alveolitis, chronic form; idiopathic fibrosing alveolitis. Identifiers: Orphanet 2032, MedGen C1800706, MeSH D054990, MONDO:0800504.
Melanoma, cutaneous malignant, susceptibility to, 9. Also called: Cutaneous malignant melanoma 9. Identifiers: Orphanet 618, MedGen C3554574, MONDO:0014056, OMIM 615134.
Pulmonary fibrosis and/or bone marrow failure, Telomere-related, 1. Also called: PULMONARY FIBROSIS AND/OR BONE MARROW FAILURE SYNDROME, TELOMERE-RELATED, 1. Identifiers: Orphanet 88, MedGen C3553617, MONDO:0013878, OMIM 614742.
TERT-related disorder. Also called: TERT-related disorders; TERT-related condition.
Interstitial lung disease 2 (ILD2). Also called: Familial idiopathic pulmonary fibrosis; FIBROCYSTIC PULMONARY DYSPLASIA; FIBROSING ALVEOLITIS, CRYPTOGENIC. Identifiers: Orphanet 2032, Orphanet 79126, MedGen C5561926, MONDO:0800497, OMIM 178500, MONDO:0800029.
Aplastic anemia. Identifiers: Orphanet 88, MedGen C0002874, MONDO:0015909, OMIM 609135, HP:0001915, Orphanet 182040.
Dyskeratosis congenita, autosomal dominant 1 (DKCA1). Also called: Dyskeratosis congenita Scoggins type. Identifiers: Orphanet 1775, MedGen C4551974, MONDO:0007485, OMIM 127550. Inheritance: Variable.
Acute myeloid leukemia (AML). Also called: Leukemia, acute myeloid, somatic; Leukemia, acute myelogenous, somatic; Acute myeloid leukemia, adult; AML adult; Acute non-lymphocytic leukemia; Acute granulocytic leukemia. Identifiers: Orphanet 519, MedGen C0023467, MeSH D015470, MONDO:0018874, OMIM 601626, HP:0004808. Disease mechanism: Constitutively activated FLT3.
Dyskeratosis congenita. Identifiers: Orphanet 1775, MedGen C0265965, MONDO:0015780.

Allele frequency attached by ClinVar (database versions not stated): gnomAD 0.00013 and 0.00019; 1000 Genomes Project 30x 0.00016; TOPMed 0.00016; 1000 Genomes Project 0.00020; gnomAD exomes 0.00024 and 0.00045; ExAC 0.00055.
gnomAD v4.1: 368 of 1,600,808 alleles (0.023%); highest among the groups gnomAD compares: South Asian, 0.34%; 4 homozygotes.

Submissions (10):

Labcorp Genetics (formerly Invitae), Labcorp
Classification: Benign for Dyskeratosis congenita, autosomal dominant 2; Idiopathic Pulmonary Fibrosis. Last evaluated: 2025-12-15. Review status: criteria provided, single submitter. Criteria: Invitae Variant Classification Sherloc (09022015). Collection method: clinical testing. Allele origin: germline.

KCCC/NGS Laboratory, Kuwait Cancer Control Center
Classification: Benign for Melanoma, cutaneous malignant, susceptibility to, 9. Last evaluated: 2025-02-01. Review status: criteria provided, single submitter. Criteria: ACMG Guidelines, 2015. Collection method: clinical testing. Allele origin: germline. Affected: no.

Blueprint Genetics
Classification: Likely benign. Last evaluated: 2024-09-30. Review status: criteria provided, single submitter. Criteria: ACMG Guidelines, 2015. Collection method: clinical testing. Allele origin: germline.

Fulgent Genetics
Classification: Benign for Dyskeratosis congenita, autosomal dominant 1; Interstitial lung disease 2; Acute myeloid leukemia; Aplastic anemia; Dyskeratosis congenita, autosomal dominant 2; Pulmonary fibrosis and/or bone marrow failure, Telomere-related, 1; Melanoma, cutaneous malignant, susceptibility to, 9. Last evaluated: 2022-04-28. Review status: criteria provided, single submitter. Criteria: ACMG Guidelines, 2015. Collection method: clinical testing. Allele origin: unknown.

Sema4
Classification: Likely benign for Dyskeratosis congenita. Last evaluated: 2021-04-13. Review status: criteria provided, single submitter. Criteria: Sema4 Curation Guidelines. Collection method: curation. Allele origin: germline.

GeneDx
Classification: Likely benign. Last evaluated: 2019-08-06. Review status: criteria provided, single submitter. Criteria: GeneDx Variant Classification Process June 2021. Collection method: clinical testing. Allele origin: germline. Affected: yes.
Comment: This variant is associated with the following publications: (PMID: 26136524)

Illumina Laboratory Services, Illumina
Classification: Likely benign for Dyskeratosis congenita, autosomal dominant 2. Last evaluated: 2018-01-12. Review status: criteria provided, single submitter. Criteria: ICSL Variant Classification Criteria 13 December 2019. Collection method: clinical testing. Allele origin: germline.
Comment: This variant was observed in the ICSL laboratory as part of a predisposition screen in an ostensibly healthy population. It had not been previously curated by ICSL or reported in the Human Gene Mutation Database (HGMD: prior to June 1st, 2018), and was therefore a candidate for classification through an automated scoring system. Utilizing variant allele frequency, disease prevalence and penetrance estimates, and inheritance mode, an automated score was calculated to assess if this variant is too frequent to cause the disease. Based on the score and internal cut-off values, a variant classified as likely benign is not then subjected to further curation. The score for this variant resulted in a classification of likely benign for this disease.

Illumina Laboratory Services, Illumina
Classification: Likely benign for Aplastic anemia. Last evaluated: 2018-01-12. Review status: criteria provided, single submitter. Criteria: ICSL Variant Classification Criteria 13 December 2019. Collection method: clinical testing. Allele origin: germline.
Comment: the same text as in the submission from Illumina Laboratory Services, Illumina above.

Illumina Laboratory Services, Illumina
Classification: Benign for Pulmonary fibrosis and/or bone marrow failure, Telomere-related, 1. Last evaluated: 2018-01-12. Review status: criteria provided, single submitter. Criteria: ICSL Variant Classification Criteria 13 December 2019. Collection method: clinical testing. Allele origin: germline.
Comment: This variant was observed in the ICSL laboratory as part of a predisposition screen in an ostensibly healthy population. It had not been previously curated by ICSL or reported in the Human Gene Mutation Database (HGMD: prior to June 1st, 2018), and was therefore a candidate for classification through an automated scoring system. Utilizing variant allele frequency, disease prevalence and penetrance estimates, and inheritance mode, an automated score was calculated to assess if this variant is too frequent to cause the disease. Based on the score and internal cut-off values, a variant classified as benign is not then subjected to further curation. The score for this variant resulted in a classification of benign for this disease.

PreventionGenetics, part of Exact Sciences
Classification: Likely benign for TERT-related condition. Last evaluated: 2019-04-17. Review status: no assertion criteria provided. Collection method: clinical testing. Allele origin: germline. Not counted in ClinVar's aggregate classification.
Comment: This variant is classified as likely benign based on ACMG/AMP sequence variant interpretation guidelines (Richards et al. 2015 PMID: 25741868, with internal and published modifications).

Literature cited by the submitters: PubMed 26136524 (cited by Sema4).

NM_198253.3(TERT):c.2383-15C>T

Gene: TERT (telomerase reverse transcriptase; minus strand). Cytogenetic location: 5p15.33.
Variant type: single nucleotide variant.
Coding change: c.2383-15C>T on transcript NM_198253.3 (MANE Select); 15 bases into the intron before coding-DNA position 2383, C replaced by T.
Molecular consequence: intron variant.
Genome position (GRCh38, 1-based): chr5:1,271,219, G>A on the plus strand (C>T on the coding strand, the complement: TERT is on the minus strand). VCF-style: chr5-1271219-G-A. GRCh37 (hg19) VCF-style: chr5-1271334-G-A.
Other names: c.2383-15C>T (NM_001193376.3).
Identifiers: ClinVar variation 350725 (VCV000350725.24), dbSNP rs574645600, ClinGen allele CA3184532.
Genomic context (GRCh38, chr5:1,271,219, plus strand): 5'-GGAAGACGTCGAAGAGGCCACTGCTGGCCTCATTCAGGGAGGAGCTCTGCGAAAGCAGAC[G>A]GGAGACACATGGGAGTGAGCCGGTGGGTGCTGAGACAGGCAGGACCACGTGGCCAAGACC-3'